The following is an entry in ClinVar:

ClinVar aggregate classification (germline): Benign/Likely benign. Review status: criteria provided, multiple submitters, no conflicts (2 of 4 stars). 3 submissions from 3 submitters: Benign (1); Likely benign (2). Last evaluated 2025-10-20.

Conditions:
Prostate cancer, hereditary, 9 (HPC9). Identifiers: Orphanet 1331, MedGen C1970250, MONDO:0012597, OMIM 610997.
Hereditary cancer-predisposing syndrome. Also called: Neoplastic Syndromes, Hereditary; Tumor predisposition; Hereditary neoplastic syndrome; Hereditary Cancer Syndrome. Identifiers: Orphanet 140162, MedGen C0027672, MeSH D009386, MONDO:0015356.

Allele frequency attached by ClinVar (database versions not stated): gnomAD exomes below 0.00001; TOPMed below 0.00001; gnomAD 0.00001.
gnomAD v4.1: 5 of 1,613,960 alleles (0.00031%); highest among the groups gnomAD compares: Admixed American, 0.0017%; no homozygotes.

Submissions (3):

Labcorp Genetics (formerly Invitae), Labcorp
Classification: Likely benign. Last evaluated: 2025-10-20. Review status: criteria provided, single submitter. Criteria: Invitae Variant Classification Sherloc (09022015). Collection method: clinical testing. Allele origin: germline.

Myriad Genetics, Inc.
Classification: Benign for Prostate cancer, hereditary, 9. Last evaluated: 2024-10-31. Review status: criteria provided, single submitter. Criteria: Myriad Autosomal Dominant, Autosomal Recessive and X-Linked Classification Criteria (2023). Collection method: clinical testing. Allele origin: unknown.
Comment: This variant is considered benign. This variant is a silent/synonymous amino acid change and it is not expected to impact splicing.

Ambry Genetics
Classification: Likely benign for Hereditary cancer-predisposing syndrome. Last evaluated: 2023-02-06. Review status: criteria provided, single submitter. Criteria: Ambry Variant Classification Scheme 2023. Collection method: clinical testing. Allele origin: germline.

NM_006361.6(HOXB13):c.738G>A (p.Arg246=)

Gene: HOXB13 (homeobox B13; minus strand). Cytogenetic location: 17q21.32.
Variant type: single nucleotide variant.
Coding change: c.738G>A on transcript NM_006361.6 (MANE Select); coding-DNA position 738, G replaced by A.
Protein change: p.Arg246=; no amino-acid change (arginine 246 retained).
Molecular consequence: synonymous variant.
Genome position (GRCh38, 1-based): chr17:48,726,907, C>T on the plus strand (G>A on the coding strand, the complement: HOXB13 is on the minus strand). VCF-style: chr17-48726907-C-T. GRCh37 (hg19) VCF-style: chr17-46804269-C-T.
Other names: c.738G>A (NM_006361.5).
Identifiers: ClinVar variation 808288 (VCV000808288.21), dbSNP rs1242916911, ClinGen allele CA500500765.
Genomic context (GRCh38, chr17:48,726,907, plus strand): 5'-GTTCTGAAACCAGATGGTAATCTGGCGCTCCGAGAGGCTGGTGGCTGCCGAGATCTTGCG[C>T]CTCTTGTCCTTGGTGATGAACTTGTTAGCCGCATACTCCCGCTCCAGCTCCCGCAACTGC-3'
Protein context (NP_006352.2, residues 236-256): AANKFITKDK[Arg246=]RKISAATSLS